The following is an entry in ClinVar:

NM_004944.4(DNASE1L3):c.802-2A>G

Gene: DNASE1L3 (deoxyribonuclease 1L3; minus strand). Cytogenetic location: 3p14.3.
Variant type: single nucleotide variant.
Coding change: c.802-2A>G on transcript NM_004944.4 (MANE Select); the canonical splice acceptor site of the intron before coding-DNA position 802, A replaced by G.
Molecular consequence: splice acceptor variant.
Genome position (GRCh38, 1-based): chr3:58,192,805, T>C on the plus strand (A>G on the coding strand, the complement: DNASE1L3 is on the minus strand). VCF-style: chr3-58192805-T-C. GRCh37 (hg19) VCF-style: chr3-58178532-T-C.
Other names: c.712-2A>G (NM_001256560.2).
Identifiers: ClinVar variation 3646836 (VCV003646836.2).

ClinVar aggregate classification (germline): Uncertain significance (1 of 4 stars; one submission).

gnomAD v4.1: 1 of 1,611,948 alleles (0.000062%); highest among the groups gnomAD compares: Non-Finnish European, 0.000085%; no homozygotes.

Submission:

Labcorp Genetics (formerly Invitae), Labcorp
Classification: Uncertain significance. Last evaluated: 2024-03-27. Review status: criteria provided, single submitter. Criteria: Invitae Variant Classification Sherloc (09022015). Collection method: clinical testing. Allele origin: germline.
Comment: This sequence change affects an acceptor splice site in intron 7 of the DNASE1L3 gene. While this variant is not anticipated to result in nonsense mediated decay, it likely alters RNA splicing and results in a disrupted protein product. This variant is not present in population databases (gnomAD no frequency). This variant has not been reported in the literature in individuals affected with DNASE1L3-related conditions. Variants that disrupt the consensus splice site are a relatively common cause of aberrant splicing (PMID: 17576681, 9536098). Algorithms developed to predict the effect of sequence changes on RNA splicing suggest that this variant may disrupt the consensus splice site. In summary, the available evidence is currently insufficient to determine the role of this variant in disease. Therefore, it has been classified as a Variant of Uncertain Significance.

Literature cited by the submitters: PubMed 17576681; PubMed 9536098.